The following is an entry in ClinVar:

NM_001211.6(BUB1B):c.367A>G (p.Asn123Asp)

Gene: BUB1B (BUB1 mitotic checkpoint serine/threonine kinase B; plus strand). Cytogenetic location: 15q15.1.
Variant type: single nucleotide variant.
Coding change: c.367A>G on transcript NM_001211.6 (MANE Select); coding-DNA position 367, A replaced by G.
Protein change: p.Asn123Asp; replaces asparagine 123 with aspartic acid.
Molecular consequence: missense variant.
Genome position (GRCh38, 1-based): chr15:40,170,664, A>G. VCF-style: chr15-40170664-A-G. GRCh37 (hg19) VCF-style: chr15-40462865-A-G.
Other names: short protein forms N123D.
Identifiers: ClinVar variation 1733858 (VCV001733858.2), dbSNP rs927579272, ClinGen allele CA268769666.

ClinVar aggregate classification (germline): Uncertain significance (1 of 4 stars; one submission).

Conditions:
Inborn genetic diseases. Identifiers: MedGen C0950123, MeSH D030342.

Allele frequency attached by ClinVar (database versions not stated): gnomAD exomes below 0.00001; TOPMed below 0.00001.
gnomAD v4.1: 1 of 1,613,744 alleles (0.000062%); highest among the groups gnomAD compares: Admixed American, 0.0017%; no homozygotes.

Submission:

Ambry Genetics
Classification: Uncertain significance for Inborn genetic diseases. Last evaluated: 2022-02-12. Review status: criteria provided, single submitter. Criteria: Ambry Variant Classification Scheme 2023. Collection method: clinical testing. Allele origin: germline.
Comment: The p.N123D variant (also known as c.367A>G), located in coding exon 4 of the BUB1B gene, results from an A to G substitution at nucleotide position 367. The asparagine at codon 123 is replaced by aspartic acid, an amino acid with highly similar properties. This amino acid position is conserved. In addition, this alteration is predicted to be tolerated by in silico analysis. Since supporting evidence is limited at this time, the clinical significance of this alteration remains unclear.